The following is an entry in ClinVar:

NM_000090.4(COL3A1):c.46C>T (p.Leu16Phe)

Gene: COL3A1 (collagen type III alpha 1 chain; plus strand). Cytogenetic location: 2q32.2.
Variant type: single nucleotide variant.
Coding change: c.46C>T on transcript NM_000090.4 (MANE Select); coding-DNA position 46, C replaced by T.
Protein change: p.Leu16Phe; replaces leucine 16 with phenylalanine.
Molecular consequence: missense variant.
Genome position (GRCh38, 1-based): chr2:188,974,535, C>T. VCF-style: chr2-188974535-C-T. GRCh37 (hg19) VCF-style: chr2-189839261-C-T.
Other names: short protein forms L16F.
Identifiers: ClinVar variation 4800312 (VCV004800312.1).
Genomic context (GRCh38, chr2:188,974,535, plus strand): 5'-GTCTGATATTTAGACATGATGAGCTTTGTGCAAAAGGGGAGCTGGCTACTTCTCGCTCTG[C>T]TTCATCCCACTATTATTTTGGCACAACAGGAAGGTGAGTAGGTACTGATTTCAAGAAACT-3'
Protein context (NP_000081.2, residues 6-26): QKGSWLLLAL[Leu16Phe]HPTIILAQQE

ClinVar aggregate classification (germline): Uncertain significance (1 of 4 stars; one submission).

Conditions:
Ehlers-Danlos syndrome, type 4 (EDSVASC). Also called: Ehlers-Danlos syndrome vascular type; Ehlers Danlos syndrome, ecchymotic type; Ehlers Danlos syndrome, arterial type; Ehlers Danlos syndrome, Sack-Barabas type; Ehlers-Danlos Syndrome Type IV. Identifiers: Orphanet 286, MedGen C0268338, MONDO:0017314, OMIM 130050.

Submission:

Labcorp Genetics (formerly Invitae), Labcorp
Classification: Uncertain significance for Ehlers-Danlos syndrome, type 4. Last evaluated: 2025-08-21. Review status: criteria provided, single submitter. Criteria: Invitae Variant Classification Sherloc (09022015). Collection method: clinical testing. Allele origin: germline.
Comment: This sequence change replaces leucine, which is neutral and non-polar, with phenylalanine, which is neutral and non-polar, at codon 16 of the COL3A1 protein (p.Leu16Phe). This variant is not present in population databases (gnomAD no frequency). This variant has not been reported in the literature in individuals affected with COL3A1-related conditions. Invitae Evidence Modeling of protein sequence and biophysical properties (such as structural, functional, and spatial information, amino acid conservation, physicochemical variation, residue mobility, and thermodynamic stability) indicates that this missense variant is not expected to disrupt COL3A1 protein function with a negative predictive value of 95%. Algorithms developed to predict the effect of sequence changes on RNA splicing suggest that this variant may disrupt the consensus splice site. In summary, the available evidence is currently insufficient to determine the role of this variant in disease. Therefore, it has been classified as a Variant of Uncertain Significance.